The following is an entry in ClinVar:

NM_004304.5(ALK):c.1750G>A (p.Val584Ile)

Gene: ALK (ALK receptor tyrosine kinase; minus strand). Cytogenetic location: 2p23.2.
Variant type: single nucleotide variant.
Coding change: c.1750G>A on transcript NM_004304.5 (MANE Select); coding-DNA position 1750, G replaced by A.
Protein change: p.Val584Ile; replaces valine 584 with isoleucine.
Molecular consequence: missense variant.
Genome position (GRCh38, 1-based): chr2:29,296,955, C>T on the plus strand (G>A on the coding strand, the complement: ALK is on the minus strand). VCF-style: chr2-29296955-C-T. GRCh37 (hg19) VCF-style: chr2-29519821-C-T.
Other names: short protein forms V584I.
Identifiers: ClinVar variation 3363875 (VCV003363875.1).
Genomic context (GRCh38, chr2:29,296,955, plus strand): 5'-ACACATCGAGGAGAGGCAACACCATCCACTGCCACAGGCTCAAGCCTTCATAGGCGGCGA[C>T]ATGCCAGACCATCCTGCCTTGCTCCTTCCCGGTTTTGTTCTCCACTAGCACCAAGGACAC-3'
Protein context (NP_004295.2, residues 574-594): GKEQGRMVWH[Val584Ile]AAYEGLSLWQ

ClinVar aggregate classification (germline): Uncertain significance (1 of 4 stars; one submission).

gnomAD v4.1: 1 of 1,614,094 alleles (0.000062%); highest among the groups gnomAD compares: Admixed American, 0.0017%; no homozygotes.

Submission:

GeneDx
Classification: Uncertain significance. Last evaluated: 2023-11-06. Review status: criteria provided, single submitter. Criteria: GeneDx Variant Classification Process June 2021. Collection method: clinical testing. Allele origin: germline. Affected: yes.
Comment: Not observed at significant frequency in large population cohorts (gnomAD); In silico analysis supports that this missense variant does not alter protein structure/function; Has not been previously published as pathogenic or benign to our knowledge